The following is an entry in ClinVar:

ClinVar aggregate classification (germline): Uncertain significance (1 of 4 stars; one submission).

Conditions:
Hereditary cancer-predisposing syndrome. Also called: Hereditary Cancer Syndrome; Hereditary neoplastic syndrome; Neoplastic Syndromes, Hereditary; Tumor predisposition. Identifiers: Orphanet 140162, MedGen C0027672, MeSH D009386, MONDO:0015356.

Submission:

Ambry Genetics
Classification: Uncertain significance for Hereditary cancer-predisposing syndrome. Last evaluated: 2022-08-22. Review status: criteria provided, single submitter. Criteria: Ambry Variant Classification Scheme 2023. Collection method: clinical testing. Allele origin: germline.
Comment: The p.D394G variant (also known as c.1181A>G), located in coding exon 12 of the RB1 gene, results from an A to G substitution at nucleotide position 1181. The aspartic acid at codon 394 is replaced by glycine, an amino acid with similar properties. This amino acid position is conserved. In addition, this alteration is predicted to be deleterious by in silico analysis. Since supporting evidence is limited at this time, the clinical significance of this alteration remains unclear.

NM_000321.3(RB1):c.1181A>G (p.Asp394Gly)

Gene: RB1 (RB transcriptional corepressor 1; plus strand). Cytogenetic location: 13q14.2.
Variant type: single nucleotide variant.
Coding change: c.1181A>G on transcript NM_000321.3 (MANE Select); coding-DNA position 1181, A replaced by G.
Protein change: p.Asp394Gly; replaces aspartic acid 394 with glycine.
Molecular consequence: missense variant.
Genome position (GRCh38, 1-based): chr13:48,373,458, A>G. VCF-style: chr13-48373458-A-G. GRCh37 (hg19) VCF-style: chr13-48947594-A-G.
Other names: c.1181A>G, p.Asp394Gly (NM_001407165.1, NM_001407166.1); short protein forms D394G.
Identifiers: ClinVar variation 1742262 (VCV001742262.2), dbSNP rs2542195015, ClinGen allele CA388161570.